The following is an entry in ClinVar:

NM_020361.5(CPA6):c.13G>C (p.Gly5Arg)

Gene: CPA6 (carboxypeptidase A6; minus strand). Cytogenetic location: 8q13.2.
Variant type: single nucleotide variant.
Coding change: c.13G>C on transcript NM_020361.5 (MANE Select); coding-DNA position 13, G replaced by C.
Protein change: p.Gly5Arg; replaces glycine 5 with arginine.
Molecular consequence: missense variant.
Genome position (GRCh38, 1-based): chr8:67,746,117, C>G on the plus strand (G>C on the coding strand, the complement: CPA6 is on the minus strand). VCF-style: chr8-67746117-C-G. GRCh37 (hg19) VCF-style: chr8-68658352-C-G.
Other names: c.13G>C, p.Gly5Arg (NM_001440615.1); short protein forms G5R.
Identifiers: ClinVar variation 4687348 (VCV004687348.1).

ClinVar aggregate classification (germline): Uncertain significance (1 of 4 stars; one submission).

gnomAD v4.1: 6 of 1,612,902 alleles (0.00037%); highest among the groups gnomAD compares: African/African-American, 0.0067%; no homozygotes.

Submission:

Women's Health and Genetics/Laboratory Corporation of America, LabCorp
Classification: Uncertain significance. Last evaluated: 2025-10-13. Review status: criteria provided, single submitter. Criteria: LabCorp Variant Classification Summary - May 2015. Collection method: clinical testing. Allele origin: germline.
Comment: Variant summary: CPA6 c.13G>C (p.Gly5Arg) results in a non-conservative amino acid change in the encoded protein sequence. Algorithms developed to predict the effect of missense changes on protein structure and function are either unavailable or do not agree on the potential impact of this missense change. The variant allele was found at a frequency of 8e-06 in 249888 control chromosomes. The available data on variant occurrences in the general population are insufficient to allow any conclusion about variant significance. To our knowledge, no occurrence of c.13G>C in individuals affected with CPA6-related conditions and no experimental evidence demonstrating its impact on protein function have been reported. No submitters have cited clinical-significance assessments for this variant to ClinVar. Based on the evidence outlined above, the variant was classified as uncertain significance.